The following is an entry in ClinVar:

ClinVar aggregate classification (germline): Pathogenic (1 of 4 stars; one submission).

Conditions:
Upshaw-Schulman syndrome (TTP). Also called: Congenital thrombotic thrombocytopenic purpura; THROMBOTIC THROMBOCYTOPENIC PURPURA, HEREDITARY. Identifiers: Orphanet 93583, MedGen C1268935, MONDO:0010122, OMIM 274150.

Submission:

MVZ Medizinische Genetik Mainz
Classification: Pathogenic for Upshaw-Schulman syndrome. Last evaluated: 2026-03-25. Review status: criteria provided, single submitter. Criteria: UK Practice Guidelines For Variant Classification V4 01 2020. Collection method: clinical testing. Allele origin: germline. Inheritance: Autosomal recessive inheritance. Affected: yes. Observed: 1 variant allele.
Comment: ACMG Criteria: PVS1,PM2_SUP,PM3_SUP,PP4

NM_139027.6(ADAMTS13):c.1094G>A (p.Trp365Ter)

Gene: ADAMTS13 (ADAM metallopeptidase with thrombospondin type 1 motif 13; plus strand). Cytogenetic location: 9q34.2.
Variant type: single nucleotide variant.
Coding change: c.1094G>A on transcript NM_139027.6 (MANE Select); coding-DNA position 1094, G replaced by A.
Protein change: p.Trp365Ter; replaces tryptophan 365 with a stop codon.
Molecular consequence: nonsense.
Genome position (GRCh38, 1-based): chr9:133,433,379, G>A. VCF-style: chr9-133433379-G-A. GRCh37 (hg19) VCF-style: chr9-136298499-G-A.
Other names: c.1094G>A, p.Trp365Ter (NM_139025.5); c.1001G>A, p.Trp334Ter (NM_139026.6); short protein forms W334*, W365*.
Identifiers: ClinVar variation 4849209 (VCV004849209.1).